The following is an entry in ClinVar:

NM_001348716.2(KDM6B):c.753ACC[19] (p.Pro264_Leu265insProProProProProPro)

Gene: KDM6B (lysine demethylase 6B; plus strand). Cytogenetic location: 17p13.1.
Variant type: Microsatellite.
Coding change: c.753ACC[19] on transcript NM_001348716.2 (MANE Select); 19 copies in a row of the 3-base unit ACC starting at c.753; the reference has 13 copies in a row; six copies, 18 bases duplicated.
Protein change: p.Pro264_Leu265insProProProProProPro.
Molecular consequence: inframe insertion.
Genome position (GRCh38, 1-based): chr17:7,846,881-7,846,898, ACCACCACCACCACCACC duplicated; duplicating any 18 consecutive bases within chr17:7,846,860-7,846,898 gives the same sequence; the position shown is the placement nearest the transcript's 3' end. VCF-style (leftmost placement, unchanged base first): chr17-7846859-T-TACCACCACCACCACCACC. GRCh37 (hg19) VCF-style: chr17-7750177-T-TACCACCACCACCACCACC.
Other names: c.753ACC[19], p.Pro264_Leu265insProProProProProPro (NM_001080424.2).
Identifiers: ClinVar variation 5000929 (VCV005000929.1).

ClinVar aggregate classification (germline): Uncertain significance (1 of 4 stars; one submission).

Conditions:
KDM6B-related disorder. Also called: KDM6B-related condition.

Submission:

PreventionGenetics, part of Exact Sciences
Classification: Uncertain significance for KDM6B-related condition. Last evaluated: 2025-02-13. Review status: criteria provided, single submitter. Criteria: ACMG Guidelines, 2015. Collection method: clinical testing. Allele origin: germline.
Comment: The KDM6B c.774_791dup18 variant is predicted to result in an in-frame duplication (p.Pro259_Pro264dup). To our knowledge, this variant has not been reported in the literature or in a large population database (gnomAD), indicating this variant is rare. At this time, the clinical significance of this variant is uncertain due to the absence of conclusive functional and genetic evidence.